The following is an entry in ClinVar:

NM_001848.3(COL6A1):c.1918_1922del (p.Lys640fs)

Gene: COL6A1 (collagen type VI alpha 1 chain; plus strand). Cytogenetic location: 21q22.3.
Variant type: Deletion.
Coding change: c.1918_1922del on transcript NM_001848.3 (MANE Select); coding-DNA positions 1918 to 1922, 5 bases deleted (AAGGT; older notation c.1918_1922delAAGGT).
Protein change: p.Lys640fs; shifts the reading frame from lysine 640.
Molecular consequence: frameshift variant.
Genome position (GRCh38, 1-based): chr21:46,001,348-46,001,352, AAGGT deleted. VCF-style (leftmost placement, unchanged base first): chr21-46001347-CAAGGT-C. GRCh37 (hg19) VCF-style: chr21-47421261-CAAGGT-C.
Other names: short protein forms K640fs.
Identifiers: ClinVar variation 3655637 (VCV003655637.2).

ClinVar aggregate classification (germline): Pathogenic (1 of 4 stars; one submission).

Conditions:
Bethlem myopathy 1A. Also called: Bethlem myopathy 1; MYOPATHY, BENIGN CONGENITAL, WITH CONTRACTURES; Bethlem Muscular Dystrophy. Identifiers: Orphanet 610, MedGen CN029274, MONDO:0024530, OMIM 158810.

Submission:

Labcorp Genetics (formerly Invitae), Labcorp
Classification: Pathogenic for Bethlem myopathy 1A. Last evaluated: 2024-06-05. Review status: criteria provided, single submitter. Criteria: Invitae Variant Classification Sherloc (09022015). Collection method: clinical testing. Allele origin: germline.
Comment: This sequence change creates a premature translational stop signal (p.Lys640Hisfs*88) in the COL6A1 gene. It is expected to result in an absent or disrupted protein product. Loss-of-function variants in COL6A1 are known to be pathogenic (PMID: 19884007, 20976770). This variant is not present in population databases (gnomAD no frequency). This variant has not been reported in the literature in individuals affected with COL6A1-related conditions. For these reasons, this variant has been classified as Pathogenic.

Literature cited by the submitters: PubMed 19884007; PubMed 20976770.